The following is an entry in ClinVar:

NM_144999.4(LRRC45):c.455G>A (p.Arg152His)

Gene: LRRC45 (leucine rich repeat containing 45; plus strand). Cytogenetic location: 17q25.3.
Variant type: single nucleotide variant.
Coding change: c.455G>A on transcript NM_144999.4 (MANE Select); coding-DNA position 455, G replaced by A.
Protein change: p.Arg152His; replaces arginine 152 with histidine.
Molecular consequence: missense variant.
Genome position (GRCh38, 1-based): chr17:82,025,101, G>A. VCF-style: chr17-82025101-G-A. GRCh37 (hg19) VCF-style: chr17-79982977-G-A.
Other names: short protein forms R152H.
Identifiers: ClinVar variation 4989347 (VCV004989347.1).

ClinVar aggregate classification (germline): Uncertain significance (1 of 4 stars; one submission).

Conditions:
LRRC45-related disorder. Also called: LRRC45-related condition.

gnomAD v4.1: 18 of 1,610,814 alleles (0.0011%); highest among the groups gnomAD compares: Middle Eastern, 0.016%; no homozygotes.

Submission:

PreventionGenetics, part of Exact Sciences
Classification: Uncertain significance for LRRC45-related condition. Last evaluated: 2026-02-18. Review status: criteria provided, single submitter. Criteria: ACMG Guidelines, 2015. Collection method: clinical testing. Allele origin: germline.
Comment: The LRRC45 c.455G>A variant is predicted to result in the amino acid substitution p.Arg152His. To our knowledge, this variant has not been reported in the literature. This variant is reported in 0.0099% of alleles in individuals of South Asian descent in gnomAD. At this time, the clinical significance of this variant is uncertain due to the absence of conclusive functional and genetic evidence.